The following is an entry in ClinVar:

NM_002709.3(PPP1CB):c.107G>T (p.Gly36Val)

Gene: PPP1CB (protein phosphatase 1 catalytic subunit beta; plus strand). Cytogenetic location: 2p23.2.
Variant type: single nucleotide variant.
Coding change: c.107G>T on transcript NM_002709.3 (MANE Select); coding-DNA position 107, G replaced by T.
Protein change: p.Gly36Val; replaces glycine 36 with valine.
Molecular consequence: missense variant.
Genome position (GRCh38, 1-based): chr2:28,776,905, G>T. VCF-style: chr2-28776905-G-T. GRCh37 (hg19) VCF-style: chr2-28999771-G-T.
Other names: c.107G>T, p.Gly36Val (NM_206876.2); short protein forms G36V.
Identifiers: ClinVar variation 4075636 (VCV004075636.1).

ClinVar aggregate classification (germline): Uncertain significance (1 of 4 stars; one submission).

Submission:

GeneDx
Classification: Uncertain significance. Last evaluated: 2025-02-12. Review status: criteria provided, single submitter. Criteria: GeneDx Variant Classification Process June 2021. Collection method: clinical testing. Allele origin: germline. Affected: yes.
Comment: Not observed at significant frequency in large population cohorts (gnomAD); In silico analysis supports that this missense variant has a deleterious effect on protein structure/function; Has not been previously published as pathogenic or benign to our knowledge